The following is an entry in ClinVar:

NM_000064.4(C3):c.2564G>A (p.Arg855Gln)

Gene: C3 (complement C3; minus strand). Cytogenetic location: 19p13.3.
Variant type: single nucleotide variant.
Coding change: c.2564G>A on transcript NM_000064.4 (MANE Select); coding-DNA position 2564, G replaced by A.
Protein change: p.Arg855Gln; replaces arginine 855 with glutamine.
Molecular consequence: missense variant.
Genome position (GRCh38, 1-based): chr19:6,697,671, C>T on the plus strand (G>A on the coding strand, the complement: C3 is on the minus strand). VCF-style: chr19-6697671-C-T. GRCh37 (hg19) VCF-style: chr19-6697682-C-T.
Other names: short protein forms R855Q.
Identifiers: ClinVar variation 1381503 (VCV001381503.7), dbSNP rs199784156, ClinGen allele CA9129038.

ClinVar aggregate classification (germline): Uncertain significance. Review status: criteria provided, multiple submitters, no conflicts (2 of 4 stars). 2 submissions from 2 submitters: Uncertain significance (2). Last evaluated 2025-09-23.

Allele frequency attached by ClinVar (database versions not stated): gnomAD 0.00001 and 0.00002; TOPMed 0.00001; gnomAD exomes 0.00002; ExAC 0.00006; 1000 Genomes Project 0.00040; 1000 Genomes Project 30x 0.00047.

Submissions (2):

Labcorp Genetics (formerly Invitae), Labcorp
Classification: Uncertain significance. Last evaluated: 2025-09-23. Review status: criteria provided, single submitter. Criteria: Invitae Variant Classification Sherloc (09022015). Collection method: clinical testing. Allele origin: germline.
Comment: This sequence change replaces arginine, which is basic and polar, with glutamine, which is neutral and polar, at codon 855 of the C3 protein (p.Arg855Gln). This variant is present in population databases (rs199784156, gnomAD 0.009%). This variant has not been reported in the literature in individuals affected with C3-related conditions. ClinVar contains an entry for this variant (Variation ID: 1381503). Invitae Evidence Modeling of protein sequence and biophysical properties (such as structural, functional, and spatial information, amino acid conservation, physicochemical variation, residue mobility, and thermodynamic stability) indicates that this missense variant is not expected to disrupt C3 protein function with a negative predictive value of 80%. In summary, the available evidence is currently insufficient to determine the role of this variant in disease. Therefore, it has been classified as a Variant of Uncertain Significance.

Blueprint Genetics
Classification: Uncertain significance. Last evaluated: 2017-08-23. Review status: criteria provided, single submitter. Criteria: ACMG Guidelines, 2015. Collection method: clinical testing. Allele origin: germline.